The following is an entry in ClinVar:

ClinVar aggregate classification (germline): Benign (1 of 4 stars; one submission).

gnomAD v4.1: 374,928 of 1,594,404 alleles (24%); highest among the groups gnomAD compares: Non-Finnish European, 26%; 47,163 homozygotes.

Submission:

CeGaT Center for Human Genetics Tuebingen
Classification: Benign. Last evaluated: 2025-01-01. Review status: criteria provided, single submitter. Criteria: CeGaT Center For Human Genetics Tuebingen Variant Classification Criteria Version 2. Collection method: clinical testing. Allele origin: germline. Affected: yes. Observed: 1 variant allele.
Comment: ROS1: BP4, BS1, BS2

NM_001378902.1(ROS1):c.6668C>G (p.Ser2223Cys)

Gene: ROS1 (ROS proto-oncogene 1, receptor tyrosine kinase; minus strand). Cytogenetic location: 6q22.1.
Variant type: single nucleotide variant.
Coding change: c.6668C>G on transcript NM_001378902.1 (MANE Select); coding-DNA position 6668, C replaced by G.
Protein change: p.Ser2223Cys; replaces serine 2223 with cysteine.
Molecular consequence: missense variant.
Genome position (GRCh38, 1-based): chr6:117,301,021, G>C on the plus strand (C>G on the coding strand, the complement: ROS1 is on the minus strand). VCF-style: chr6-117301021-G-C. GRCh37 (hg19) VCF-style: chr6-117622184-G-C.
Other names: c.6674C>G, p.Ser2225Cys (NM_001378891.1); c.6686C>G, p.Ser2229Cys (NM_002944.3); short protein forms S2223C, S2225C, S2229C.
Identifiers: ClinVar variation 3770428 (VCV003770428.13).